The following is an entry in ClinVar:

ClinVar aggregate classification (germline): Likely pathogenic (1 of 4 stars; one submission).

Conditions:
Hereditary spastic paraplegia 11. Also called: Nakamura Osame syndrome; Autosomal recessive hereditary spastic paraplegia, mental impairment, and thin corpus callosum; Spastic paraplegia, mental retardation and thin corpus callosum; SPASTIC PARAPLEGIA, AUTOSOMAL RECESSIVE, COMPLICATED, WITH THIN CORPUS CALLOSUM; SPASTIC PARAPLEGIA, AUTOSOMAL RECESSIVE, WITH MENTAL IMPAIRMENT AND THIN CORPUS CALLOSUM; Spastic Paraplegia 11. Identifiers: Orphanet 2822, MedGen C1858479, MONDO:0011445, OMIM 604360.

Submission:

Labcorp Genetics (formerly Invitae), Labcorp
Classification: Likely pathogenic for Hereditary spastic paraplegia 11. Last evaluated: 2023-08-04. Review status: criteria provided, single submitter. Criteria: Invitae Variant Classification Sherloc (09022015). Collection method: clinical testing. Allele origin: germline.
Comment: This variant results in the deletion of part of exon 22 (c.3687-1_3687delinsTA) of the SPG11 gene. It is expected to disrupt RNA splicing. Variants that disrupt the donor or acceptor splice site typically lead to a loss of protein function (PMID: 16199547), and loss-of-function variants in SPG11 are known to be pathogenic (PMID: 19105190, 20110243, 22154821, 26556829). Information on the frequency of this variant in the gnomAD database is not available, as this variant may be reported differently in the database. This variant has not been reported in the literature in individuals affected with SPG11-related conditions. In summary, the currently available evidence indicates that the variant is pathogenic, but additional data are needed to prove that conclusively. Therefore, this variant has been classified as Likely Pathogenic.

Literature cited by the submitters: PubMed 16199547; PubMed 19105190; PubMed 20110243; PubMed 22154821; PubMed 26556829.

NM_025137.4(SPG11):c.3687-1_3687delinsTA

Gene: SPG11 (SPG11 vesicle trafficking associated, spatacsin; minus strand). Cytogenetic location: 15q21.1.
Variant type: Indel.
Coding change: c.3687-1_3687delinsTA on transcript NM_025137.4 (MANE Select); the canonical splice acceptor site of the intron before coding-DNA position 3687 through coding-DNA position 3687, GG replaced by TA.
Molecular consequence: splice acceptor variant.
Genome position (GRCh38, 1-based): chr15:44,598,836-44,598,837, CC replaced by TA on the plus strand (GG replaced by TA on the coding strand, the reverse complement: SPG11 is on the minus strand). VCF-style: chr15-44598836-CC-TA. GRCh37 (hg19) VCF-style: chr15-44891034-CC-TA.
Other names: c.3687-1_3687delinsTA (NM_001411132.1, NM_001160227.2).
Identifiers: ClinVar variation 2746280 (VCV002746280.3), dbSNP rs2505396790, ClinGen allele CA2697554452.